The following is an entry in ClinVar:

NM_001330311.2(DVL1):c.935T>A (p.Met312Lys)

Gene: DVL1 (dishevelled segment polarity protein 1; minus strand). Cytogenetic location: 1p36.33.
Variant type: single nucleotide variant.
Coding change: c.935T>A on transcript NM_001330311.2 (MANE Select); coding-DNA position 935, T replaced by A.
Protein change: p.Met312Lys; replaces methionine 312 with lysine.
Molecular consequence: missense variant.
Genome position (GRCh38, 1-based): chr1:1,339,787, A>T on the plus strand (T>A on the coding strand, the complement: DVL1 is on the minus strand). VCF-style: chr1-1339787-A-T. GRCh37 (hg19) VCF-style: chr1-1275167-A-T.
Other names: c.935T>A, p.Met312Lys (NM_004421.3); short protein forms M312K.
Identifiers: ClinVar variation 1985856 (VCV001985856.4), dbSNP rs377132750, ClinGen allele CA16756755.

ClinVar aggregate classification (germline): Uncertain significance (1 of 4 stars; one submission).

Allele frequency attached by ClinVar (database versions not stated): TOPMed below 0.00001; gnomAD 0.00001; ESP Exome Variant Server 0.00008.

Submission:

Labcorp Genetics (formerly Invitae), Labcorp
Classification: Uncertain significance. Last evaluated: 2022-10-05. Review status: criteria provided, single submitter. Criteria: Invitae Variant Classification Sherloc (09022015). Collection method: clinical testing. Allele origin: germline.
Comment: This variant is present in population databases (rs377132750, gnomAD no frequency). This sequence change replaces methionine, which is neutral and non-polar, with lysine, which is basic and polar, at codon 312 of the DVL1 protein (p.Met312Lys). In summary, the available evidence is currently insufficient to determine the role of this variant in disease. Therefore, it has been classified as a Variant of Uncertain Significance. Advanced modeling of protein sequence and biophysical properties (such as structural, functional, and spatial information, amino acid conservation, physicochemical variation, residue mobility, and thermodynamic stability) has been performed at Invitae for this missense variant, however the output from this modeling did not meet the statistical confidence thresholds required to predict the impact of this variant on DVL1 protein function. This variant has not been reported in the literature in individuals affected with DVL1-related conditions.